The following is an entry in ClinVar:

ClinVar aggregate classification (germline): Uncertain significance (1 of 4 stars; one submission).

Conditions:
T-B+ severe combined immunodeficiency due to JAK3 deficiency. Also called: SCID, T CELL-NEGATIVE, B CELL-POSITIVE, NK CELL-NEGATIVE; SCID, autosomal recessive, T-negative/B-positive type. Identifiers: Orphanet 35078, MedGen C1833275, MONDO:0010938, OMIM 600802.

Allele frequency attached by ClinVar (database versions not stated): gnomAD exomes below 0.00001; TOPMed below 0.00001.
gnomAD v4.1: 1 of 1,614,078 alleles (0.000062%); highest among the groups gnomAD compares: Admixed American, 0.0017%; no homozygotes.

Submission:

Labcorp Genetics (formerly Invitae), Labcorp
Classification: Uncertain significance for T-B+ severe combined immunodeficiency due to JAK3 deficiency. Last evaluated: 2023-09-13. Review status: criteria provided, single submitter. Criteria: Invitae Variant Classification Sherloc (09022015). Collection method: clinical testing. Allele origin: germline.
Comment: This variant has not been reported in the literature in individuals affected with JAK3-related conditions. Advanced modeling of protein sequence and biophysical properties (such as structural, functional, and spatial information, amino acid conservation, physicochemical variation, residue mobility, and thermodynamic stability) performed at Invitae indicates that this missense variant is not expected to disrupt JAK3 protein function. In summary, the available evidence is currently insufficient to determine the role of this variant in disease. Therefore, it has been classified as a Variant of Uncertain Significance. This variant is not present in population databases (gnomAD no frequency). This sequence change replaces aspartic acid, which is acidic and polar, with glycine, which is neutral and non-polar, at codon 740 of the JAK3 protein (p.Asp740Gly).

NM_000215.4(JAK3):c.2219A>G (p.Asp740Gly)

Gene: JAK3 (Janus kinase 3; minus strand). Cytogenetic location: 19p13.11.
Variant type: single nucleotide variant.
Coding change: c.2219A>G on transcript NM_000215.4 (MANE Select); coding-DNA position 2219, A replaced by G.
Protein change: p.Asp740Gly; replaces aspartic acid 740 with glycine.
Molecular consequence: missense variant.
Genome position (GRCh38, 1-based): chr19:17,834,702, T>C on the plus strand (A>G on the coding strand, the complement: JAK3 is on the minus strand). VCF-style: chr19-17834702-T-C. GRCh37 (hg19) VCF-style: chr19-17945511-T-C.
Other names: short protein forms D740G.
Identifiers: ClinVar variation 2804090 (VCV002804090.3), dbSNP rs2094220711, ClinGen allele CA404767520.